The following is an entry in ClinVar:

NM_130384.3(ATRIP):c.55C>T (p.Arg19Cys)

Genes: ATRIP (ATR interacting protein; plus strand), ATRIP-TREX1 (ATRIP-TREX1 readthrough; plus strand), LOC129936703 (ATAC-STARR-seq lymphoblastoid silent region 14331; plus strand). Cytogenetic location: 3p21.31.
Variant type: single nucleotide variant.
Coding change: c.55C>T on transcript NM_130384.3 (MANE Select); coding-DNA position 55, C replaced by T.
Protein change: p.Arg19Cys; replaces arginine 19 with cysteine.
Molecular consequence: missense variant. On other transcripts: non-coding transcript variant (1), intron variant (1).
Genome position (GRCh38, 1-based): chr3:48,446,900, C>T. VCF-style: chr3-48446900-C-T. GRCh37 (hg19) VCF-style: chr3-48488304-C-T.
Other names: c.55C>T, p.Arg19Cys (NM_032166.4); c.-218+101C>T (NM_001271022.2); short protein forms R19C.
Identifiers: ClinVar variation 5032435 (VCV005032435.1).
Genomic context (GRCh38, chr3:48,446,900, plus strand): 5'-GAAAGCATGGCGGGGACCTCCGCGCCAGGCAGCAAGAGGCGGAGCGAGCCCCCGGCGCCT[C>T]GCCCCGGCCCGCCGCCGGGCACCGGGCACCCCCCGAGCAAGCGGGCCCGGGGCTTCTCCG-3'
Protein context (NP_569055.1, residues 9-29): SKRRSEPPAP[Arg19Cys]PGPPPGTGHP

ClinVar aggregate classification (germline): Uncertain significance (1 of 4 stars; one submission).

Submission:

Ambry Genetics
Classification: Uncertain significance. Last evaluated: 2026-07-21. Review status: criteria provided, single submitter. Criteria: Ambry Variant Classification Scheme 2023. Collection method: clinical testing. Allele origin: germline.
Comment: The p.R19C variant (also known as c.55C>T), located in coding exon 1 of the ATRIP gene, results from a C to T substitution at nucleotide position 55. The arginine at codon 19 is replaced by cysteine, an amino acid with highly dissimilar properties. This amino acid position is conserved. In addition, this alteration is predicted to be tolerated by in silico analysis. Based on the available evidence, the clinical significance of this variant remains unclear.